The following is an entry in ClinVar:

ClinVar aggregate classification (germline): Uncertain significance. Review status: criteria provided, multiple submitters, no conflicts (2 of 4 stars). 2 submissions from 2 submitters: Uncertain significance (2). Last evaluated 2025-09-11.

Conditions:
Inborn genetic diseases. Identifiers: MedGen C0950123, MeSH D030342.
Multiple gastrointestinal atresias. Also called: FAMILIAL INTESTINAL POLYATRESIA SYNDROME; Multiple intestinal atresia. Identifiers: Orphanet 2300, MedGen C0220744, MONDO:0009465.

Allele frequency attached by ClinVar (database versions not stated): gnomAD exomes below 0.00001; gnomAD 0.00001; TOPMed 0.00001; ExAC 0.00002; 1000 Genomes Project 30x 0.00016; 1000 Genomes Project 0.00020.
gnomAD v4.1: 9 of 1,611,992 alleles (0.00056%); highest among the groups gnomAD compares: East Asian, 0.013%; no homozygotes.

Submissions (2):

Ambry Genetics
Classification: Uncertain significance for Inborn genetic diseases. Last evaluated: 2025-09-11. Review status: criteria provided, single submitter. Criteria: Ambry Variant Classification Scheme 2023. Collection method: clinical testing. Allele origin: germline.

Labcorp Genetics (formerly Invitae), Labcorp
Classification: Uncertain significance for Multiple gastrointestinal atresias. Last evaluated: 2023-11-20. Review status: criteria provided, single submitter. Criteria: Invitae Variant Classification Sherloc (09022015). Collection method: clinical testing. Allele origin: germline.
Comment: This sequence change replaces threonine, which is neutral and polar, with alanine, which is neutral and non-polar, at codon 449 of the TTC7A protein (p.Thr449Ala). This variant is present in population databases (rs550676316, gnomAD 0.03%). This variant has not been reported in the literature in individuals affected with TTC7A-related conditions. Advanced modeling of protein sequence and biophysical properties (such as structural, functional, and spatial information, amino acid conservation, physicochemical variation, residue mobility, and thermodynamic stability) performed at Invitae indicates that this missense variant is not expected to disrupt TTC7A protein function with a negative predictive value of 80%. In summary, the available evidence is currently insufficient to determine the role of this variant in disease. Therefore, it has been classified as a Variant of Uncertain Significance.

NM_020458.4(TTC7A):c.1345A>G (p.Thr449Ala)

Gene: TTC7A (tetratricopeptide repeat domain 7A; plus strand). Cytogenetic location: 2p21.
Variant type: single nucleotide variant.
Coding change: c.1345A>G on transcript NM_020458.4 (MANE Select); coding-DNA position 1345, A replaced by G.
Protein change: p.Thr449Ala; replaces threonine 449 with alanine.
Molecular consequence: missense variant.
Genome position (GRCh38, 1-based): chr2:47,011,388, A>G. VCF-style: chr2-47011388-A-G. GRCh37 (hg19) VCF-style: chr2-47238527-A-G.
Other names: c.1345A>G, p.Thr449Ala (NM_001288951.2); c.1243A>G, p.Thr415Ala (NM_001288953.2); c.283A>G, p.Thr95Ala (NM_001288955.2); c.1345A>G (NM_020458.2); short protein forms T415A, T449A, T95A.
Identifiers: ClinVar variation 3018032 (VCV003018032.3), dbSNP rs550676316, ClinGen allele CA1647623.